The following is an entry in ClinVar:

ClinVar aggregate classification (germline): Uncertain significance. Review status: criteria provided, multiple submitters, no conflicts (2 of 4 stars). 2 submissions from 2 submitters: Uncertain significance (2). Last evaluated 2025-06-24.

Conditions:
Inborn genetic diseases. Identifiers: MedGen C0950123, MeSH D030342.

Allele frequency attached by ClinVar (database versions not stated): gnomAD 0.00001; TOPMed 0.00003.

Submissions (2):

Ambry Genetics
Classification: Uncertain significance for Inborn genetic diseases. Last evaluated: 2025-06-24. Review status: criteria provided, single submitter. Criteria: Ambry Variant Classification Scheme 2023. Collection method: clinical testing. Allele origin: germline.

Labcorp Genetics (formerly Invitae), Labcorp
Classification: Uncertain significance. Last evaluated: 2025-01-06. Review status: criteria provided, single submitter. Criteria: Invitae Variant Classification Sherloc (09022015). Collection method: clinical testing. Allele origin: germline.
Comment: This sequence change replaces arginine, which is basic and polar, with tryptophan, which is neutral and slightly polar, at codon 277 of the STAMBP protein (p.Arg277Trp). This variant is not present in population databases (gnomAD no frequency). This variant has not been reported in the literature in individuals affected with STAMBP-related conditions. ClinVar contains an entry for this variant (Variation ID: 1908796). Invitae Evidence Modeling of protein sequence and biophysical properties (such as structural, functional, and spatial information, amino acid conservation, physicochemical variation, residue mobility, and thermodynamic stability) indicates that this missense variant is expected to disrupt STAMBP protein function with a positive predictive value of 95%. In summary, the available evidence is currently insufficient to determine the role of this variant in disease. Therefore, it has been classified as a Variant of Uncertain Significance.

NM_213622.4(STAMBP):c.829C>T (p.Arg277Trp)

Gene: STAMBP (STAM binding protein; plus strand). Cytogenetic location: 2p13.1.
Variant type: single nucleotide variant.
Coding change: c.829C>T on transcript NM_213622.4 (MANE Select); coding-DNA position 829, C replaced by T.
Protein change: p.Arg277Trp; replaces arginine 277 with tryptophan.
Molecular consequence: missense variant. On other transcripts: non-coding transcript variant (4).
Genome position (GRCh38, 1-based): chr2:73,849,449, C>T. VCF-style: chr2-73849449-C-T. GRCh37 (hg19) VCF-style: chr2-74076576-C-T.
Other names: c.829C>T (NM_213622.2); c.829C>T, p.Arg277Trp (NM_001353967.2, NM_001353968.2, NM_001353969.2 and 3 more transcripts); c.424C>T, p.Arg142Trp (NM_001353971.2, NM_001353972.2, NM_001353973.2 and 3 more transcripts); short protein forms R142W, R277W.
Identifiers: ClinVar variation 1908796 (VCV001908796.5), dbSNP rs1184687281, ClinGen allele CA347306408.
Genomic context (GRCh38, chr2:73,849,449, plus strand): 5'-GTGGTGGTGCCTGGGCGGCTGTGCCCACAGTTTCTCCAGTTAGCCAGTGCCAACACTGCC[C>T]GGGGAGTGGAGACATGTGGAATTCTCTGTGGAAAACTGGTAAAAAGAAAAAAAAAACCAA-3'
Protein context (NP_998787.1, residues 267-287): FLQLASANTA[Arg277Trp]GVETCGILCG